The following is an entry in ClinVar:

NM_005585.5(SMAD6):c.805C>G (p.Leu269Val)

Gene: SMAD6 (SMAD family member 6; plus strand). Cytogenetic location: 15q22.31.
Variant type: single nucleotide variant.
Coding change: c.805C>G on transcript NM_005585.5 (MANE Select); coding-DNA position 805, C replaced by G.
Protein change: p.Leu269Val; replaces leucine 269 with valine.
Molecular consequence: missense variant. On other transcripts: non-coding transcript variant (1).
Genome position (GRCh38, 1-based): chr15:66,704,063, C>G. VCF-style: chr15-66704063-C-G. GRCh37 (hg19) VCF-style: chr15-66996401-C-G.
Other names: short protein forms L269V.
Identifiers: ClinVar variation 2136277 (VCV002136277.4), dbSNP rs1893052651, ClinGen allele CA392950284.
Genomic context (GRCh38, chr15:66,704,063, plus strand): 5'-AGCTTCGCCGCCGCCGCCGACGGCCCTACCGTGTGCTGCAACCCCTACCACTTCAGCCGG[C>G]TCTGCGGGCCCGGTGAGCGCGCTGCGCCGGCCGGGGGGGCCCCGGGTCCCCGTCCCCATC-3'
Protein context (NP_005576.3, residues 259-279): VCCNPYHFSR[Leu269Val]CGPESPPPPY

ClinVar aggregate classification (germline): Uncertain significance. Review status: criteria provided, multiple submitters, no conflicts (2 of 4 stars). 3 submissions from 3 submitters: Uncertain significance (3). Last evaluated 2026-02-25.

Conditions:
Inborn genetic diseases. Identifiers: MedGen C0950123, MeSH D030342.
Aortic valve disease 2 (AOVD2). Identifiers: MedGen C3542024, MONDO:0013902, OMIM 614823.

Allele frequency attached by ClinVar (database versions not stated): gnomAD 0.00001.

Submissions (3):

Ambry Genetics
Classification: Uncertain significance for Inborn genetic diseases. Last evaluated: 2026-02-25. Review status: criteria provided, single submitter. Criteria: Ambry Variant Classification Scheme 2023. Collection method: clinical testing. Allele origin: germline.

Labcorp Genetics (formerly Invitae), Labcorp
Classification: Uncertain significance for Aortic valve disease 2. Last evaluated: 2025-11-27. Review status: criteria provided, single submitter. Criteria: Invitae Variant Classification Sherloc (09022015). Collection method: clinical testing. Allele origin: germline.
Comment: This sequence change replaces leucine, which is neutral and non-polar, with valine, which is neutral and non-polar, at codon 269 of the SMAD6 protein (p.Leu269Val). This variant is not present in population databases (gnomAD no frequency). This variant has not been reported in the literature in individuals affected with SMAD6-related conditions. ClinVar contains an entry for this variant (Variation ID: 2136277). Invitae Evidence Modeling of protein sequence and biophysical properties (such as structural, functional, and spatial information, amino acid conservation, physicochemical variation, residue mobility, and thermodynamic stability) indicates that this missense variant is not expected to disrupt SMAD6 protein function with a negative predictive value of 80%. In summary, the available evidence is currently insufficient to determine the role of this variant in disease. Therefore, it has been classified as a Variant of Uncertain Significance.

GeneDx
Classification: Uncertain significance. Last evaluated: 2022-07-22. Review status: criteria provided, single submitter. Criteria: GeneDx Variant Classification Process June 2021. Collection method: clinical testing. Allele origin: germline. Affected: yes.
Comment: Not observed at significant frequency in large population cohorts (gnomAD); In silico analysis supports that this missense variant does not alter protein structure/function; Has not been previously published as pathogenic or benign to our knowledge